The following is an entry in ClinVar:

ClinVar aggregate classification (germline): Uncertain significance (1 of 4 stars; one submission).

Conditions:
Hereditary cancer-predisposing syndrome. Also called: Tumor predisposition; Neoplastic Syndromes, Hereditary; Hereditary Cancer Syndrome; Hereditary neoplastic syndrome. Identifiers: Orphanet 140162, MedGen C0027672, MeSH D009386, MONDO:0015356.

Submission:

Ambry Genetics
Classification: Uncertain significance for Hereditary cancer-predisposing syndrome. Last evaluated: 2024-08-08. Review status: criteria provided, single submitter. Criteria: Ambry Variant Classification Scheme 2023. Collection method: clinical testing. Allele origin: germline.
Comment: The c.397-3C>A intronic variant results from a C to A substitution 3 nucleotides upstream from coding exon 3 in the FLCN gene. This nucleotide position is well conserved in available vertebrate species. In silico splice site analysis predicts that this alteration will weaken the native splice acceptor site. RNA studies have demonstrated that this alteration results in a splice defect; the clinical impact of this abnormal splicing is unknown at this time (Ambry internal data). Based on the available evidence, the clinical significance of this variant remains unclear.

NM_144997.7(FLCN):c.397-3C>A

Gene: FLCN (folliculin; minus strand). Cytogenetic location: 17p11.2.
Variant type: single nucleotide variant.
Coding change: c.397-3C>A on transcript NM_144997.7 (MANE Select); 3 bases into the intron before coding-DNA position 397, C replaced by A.
Molecular consequence: intron variant.
Genome position (GRCh38, 1-based): chr17:17,224,146, G>T on the plus strand (C>A on the coding strand, the complement: FLCN is on the minus strand). VCF-style: chr17-17224146-G-T. GRCh37 (hg19) VCF-style: chr17-17127460-G-T.
Other names: c.397-3C>A (NM_001353231.2, NM_001353230.2, NM_144606.7); c.451-3C>A (NM_001353229.2).
Identifiers: ClinVar variation 3515630 (VCV003515630.1).